The following is an entry in ClinVar:

ClinVar aggregate classification (germline): Likely benign. Review status: criteria provided, multiple submitters, no conflicts (2 of 4 stars). 2 submissions from 2 submitters: Likely benign (2). Last evaluated 2026-02-02.

Allele frequency attached by ClinVar (database versions not stated): gnomAD 0.00001; gnomAD exomes 0.00005 and 0.00017; TOPMed 0.00008.
gnomAD v4.1: 31 of 1,551,824 alleles (0.002%); highest among the groups gnomAD compares: Admixed American, 0.059%; no homozygotes.

Submissions (2):

Labcorp Genetics (formerly Invitae), Labcorp
Classification: Likely benign. Last evaluated: 2026-02-02. Review status: criteria provided, single submitter. Criteria: Invitae Variant Classification Sherloc (09022015). Collection method: clinical testing. Allele origin: germline.

CeGaT Center for Human Genetics Tuebingen
Classification: Likely benign. Last evaluated: 2025-09-01. Review status: criteria provided, single submitter. Criteria: CeGaT Center For Human Genetics Tuebingen Variant Classification Criteria Version 2. Collection method: clinical testing. Allele origin: germline. Affected: yes. Observed: 1 variant allele.
Comment: UNC80: BP4, BP7

NM_001371986.1(UNC80):c.4038T>G (p.Leu1346=)

Gene: UNC80 (unc-80 subunit of NALCN channel complex; plus strand). Cytogenetic location: 2q34.
Variant type: single nucleotide variant.
Coding change: c.4038T>G on transcript NM_001371986.1 (MANE Select); coding-DNA position 4038, T replaced by G.
Protein change: p.Leu1346=; no amino-acid change (leucine 1346 retained).
Molecular consequence: synonymous variant.
Genome position (GRCh38, 1-based): chr2:209,881,022, T>G. VCF-style: chr2-209881022-T-G. GRCh37 (hg19) VCF-style: chr2-210745746-T-G.
Other names: c.4044T>G, p.Leu1348= (NM_032504.2); c.4029T>G, p.Leu1343= (NM_182587.4).
Identifiers: ClinVar variation 1597445 (VCV001597445.15), dbSNP rs947961409, ClinGen allele CA65036260.